The following is an entry in ClinVar:

ClinVar aggregate classification (germline): Uncertain significance (1 of 4 stars; one submission).

Submission:

Labcorp Genetics (formerly Invitae), Labcorp
Classification: Uncertain significance. Last evaluated: 2023-10-25. Review status: criteria provided, single submitter. Criteria: Invitae Variant Classification Sherloc (09022015). Collection method: clinical testing. Allele origin: unknown.
Comment: A copy number gain of the genomic region encompassing the full coding sequence of the NAF1 gene has been identified. The boundaries of this event are unknown as they extend beyond the assayed region for this gene and therefore may encompass additional genes. As the precise location of this event is unknown, it may be in tandem or it may be located elsewhere in the genome. This variant has not been reported in the literature in individuals affected with NAF1-related conditions. In summary, the available evidence is currently insufficient to determine the role of this variant in disease. Therefore, it has been classified as a Variant of Uncertain Significance.

NC_000004.11:g.(?_164050049)_(164087879_?)dup

Gene: NAF1 (nuclear assembly factor 1 ribonucleoprotein; minus strand). Cytogenetic location: 4q32.2.
Variant type: Duplication.
Identifiers: ClinVar variation 3246775 (VCV003246775.1).